The following is an entry in ClinVar:

NM_001008212.2(OPTN):c.7C>T (p.His3Tyr)

Genes: OPTN (optineurin; plus strand), LOC108903148 (10p13 OPTN distal Alu-mediated recombination region; plus strand). Cytogenetic location: 10p13.
Variant type: single nucleotide variant.
Coding change: c.7C>T on transcript NM_001008212.2 (MANE Select); coding-DNA position 7, C replaced by T.
Protein change: p.His3Tyr; replaces histidine 3 with tyrosine.
Molecular consequence: missense variant.
Genome position (GRCh38, 1-based): chr10:13,109,129, C>T. VCF-style: chr10-13109129-C-T. GRCh37 (hg19) VCF-style: chr10-13151129-C-T.
Other names: p.His3Tyr; c.7C>T, p.His3Tyr (NM_001008211.1, NM_001008213.1, NM_021980.4); short protein forms H3Y.
Identifiers: ClinVar variation 2925458 (VCV002925458.4), dbSNP rs1554768243, ClinGen allele CA376026936.
Genomic context (GRCh38, chr10:13,109,129, plus strand): 5'-GGGCGGGGGACAGCTCTATTTTCAACAGGTGACTTTTCCACAGGAACTTCTGCAATGTCC[C>T]ATCAACCTCTCAGCTGCCTCACTGAAAAGGAGGACAGCCCCAGTGAAAGCACAGGAAATG-3'
Protein context (NP_001008213.1, residues 1-13): MS[His3Tyr]QPLSCLTEKE

ClinVar aggregate classification (germline): Uncertain significance. Review status: criteria provided, multiple submitters, no conflicts (2 of 4 stars). 2 submissions from 2 submitters: Uncertain significance (2). Last evaluated 2025-03-17.

Conditions:
Primary open angle glaucoma (POAG). Also called: OPTN-related open angle glaucoma. Identifiers: MedGen C0339573, MONDO:0100553, OMIM 137760.
Glaucoma 1, open angle, E. Identifiers: MedGen C1842026, MONDO:0007665.
Amyotrophic lateral sclerosis type 12 (ALS12). Also called: AMYOTROPHIC LATERAL SCLEROSIS 12 WITH OR WITHOUT FRONTOTEMPORAL DEMENTIA. Identifiers: Orphanet 803, MedGen C3150692, MONDO:0013264, OMIM 613435.

Submissions (2):

Mayo Clinic Laboratories, Mayo Clinic
Classification: Uncertain significance. Last evaluated: 2025-03-17. Review status: criteria provided, single submitter. Criteria: ACMG Guidelines, 2015. Collection method: clinical testing. Allele origin: germline. Observed: 1 variant allele.

Labcorp Genetics (formerly Invitae), Labcorp
Classification: Uncertain significance for Primary open angle glaucoma; Glaucoma 1, open angle, E; Amyotrophic lateral sclerosis type 12. Last evaluated: 2023-12-11. Review status: criteria provided, single submitter. Criteria: Invitae Variant Classification Sherloc (09022015). Collection method: clinical testing. Allele origin: germline.
Comment: This sequence change replaces histidine, which is basic and polar, with tyrosine, which is neutral and polar, at codon 3 of the OPTN protein (p.His3Tyr). This variant is not present in population databases (gnomAD no frequency). This missense change has been observed in individual(s) with clinical features of OPTN-related conditions (PMID: 22722621). Algorithms developed to predict the effect of missense changes on protein structure and function output the following: SIFT: "Not Available"; PolyPhen-2: "Benign"; Align-GVGD: "Not Available". The tyrosine amino acid residue is found in multiple mammalian species, which suggests that this missense change does not adversely affect protein function. In summary, the available evidence is currently insufficient to determine the role of this variant in disease. Therefore, it has been classified as a Variant of Uncertain Significance.

Literature cited by the submitters: PubMed 22722621 (cited by Mayo Clinic Laboratories, Mayo Clinic and Labcorp Genetics (formerly Invitae), Labcorp).